The following is an entry in ClinVar:

NM_002968.3(SALL1):c.1992G>A (p.Pro664=)

Gene: SALL1 (spalt like transcription factor 1; minus strand). Cytogenetic location: 16q12.1.
Variant type: single nucleotide variant.
Coding change: c.1992G>A on transcript NM_002968.3 (MANE Select); coding-DNA position 1992, G replaced by A.
Protein change: p.Pro664=; no amino-acid change (proline 664 retained).
Molecular consequence: synonymous variant.
Genome position (GRCh38, 1-based): chr16:51,140,230, C>T on the plus strand (G>A on the coding strand, the complement: SALL1 is on the minus strand). VCF-style: chr16-51140230-C-T. GRCh37 (hg19) VCF-style: chr16-51174141-C-T.
Other names: c.1701G>A, p.Pro567= (NM_001127892.2).
Identifiers: ClinVar variation 3048586 (VCV003048586.4), dbSNP rs754352358, ClinGen allele CA8053180.
Genomic context (GRCh38, chr16:51,140,230, plus strand): 5'-CTGAGCTGAGTCCAGGAGTCCCCCAAAAGGAAACTTGGCCTTGAACTGCTCGGACATGAG[C>T]GGCAACAAAGGGTTGGTGAAGGTGGTGGCACTGCCCGCGGGGCCGCAGTCTGCCGCTGGG-3'
Protein context (NP_002959.2, residues 654-674): SATTFTNPLL[Pro664=]LMSEQFKAKF

ClinVar aggregate classification (germline): Benign. Review status: criteria provided, single submitter (1 of 4 stars). 2 submissions from 2 submitters: Benign (1). 1 of the submissions does not count toward it. Last evaluated 2025-09-28.

Conditions:
SALL1-related disorder. Also called: SALL1-related condition.
Townes syndrome (TBS). Also called: Townes-Brocks syndrome. Identifiers: Orphanet 857, MedGen C0265246, MeSH C536974, MONDO:0007142.

Allele frequency attached by ClinVar (database versions not stated): TOPMed 0.00004; gnomAD 0.00007; ExAC 0.00014.
gnomAD v4.1: 177 of 1,614,144 alleles (0.011%); highest among the groups gnomAD compares: East Asian, 0.28%; 1 homozygote.

Submissions (2):

Labcorp Genetics (formerly Invitae), Labcorp
Classification: Benign for Townes syndrome. Last evaluated: 2025-09-28. Review status: criteria provided, single submitter. Criteria: Invitae Variant Classification Sherloc (09022015). Collection method: clinical testing. Allele origin: germline.

PreventionGenetics, part of Exact Sciences
Classification: Likely benign for SALL1-related condition. Last evaluated: 2020-02-20. Review status: no assertion criteria provided. Collection method: clinical testing. Allele origin: germline. Not counted in ClinVar's aggregate classification.
Comment: This variant is classified as likely benign based on ACMG/AMP sequence variant interpretation guidelines (Richards et al. 2015 PMID: 25741868, with internal and published modifications).